The following is an entry in ClinVar:

NM_001378024.1(ARHGAP32):c.1170A>G (p.Glu390=)

Gene: ARHGAP32 (Rho GTPase activating protein 32; minus strand). Cytogenetic location: 11q24.3.
Variant type: single nucleotide variant.
Coding change: c.1170A>G on transcript NM_001378024.1 (MANE Select); coding-DNA position 1170, A replaced by G.
Protein change: p.Glu390=; no amino-acid change (glutamic acid 390 retained).
Molecular consequence: synonymous variant.
Genome position (GRCh38, 1-based): chr11:128,998,344, T>C on the plus strand (A>G on the coding strand, the complement: ARHGAP32 is on the minus strand). VCF-style: chr11-128998344-T-C. GRCh37 (hg19) VCF-style: chr11-128868239-T-C.
Other names: c.1128A>G, p.Glu376= (NM_001142685.2); c.1008A>G, p.Glu336= (NM_001378025.1); c.81A>G, p.Glu27= (NM_014715.4).
Identifiers: ClinVar variation 1240533 (VCV001240533.5), dbSNP rs670440, ClinGen allele CA6359255.

ClinVar aggregate classification (germline): Benign. Review status: criteria provided, multiple submitters, no conflicts (2 of 4 stars). 3 submissions from 3 submitters: Benign (2). 1 of the submissions does not count toward it. Last evaluated 2020-10-15.

Conditions:
ARHGAP32-related disorder. Also called: ARHGAP32-related condition.

Allele frequency attached by ClinVar (database versions not stated): 1000 Genomes Project 0.57109; 1000 Genomes Project 30x 0.57292; ExAC 0.62917; gnomAD exomes 0.63050 and 0.67224; TOPMed 0.63654; gnomAD 0.63873 and 0.64382; ESP Exome Variant Server 0.66074.
gnomAD v4.1: 1,050,619 of 1,571,938 alleles (67%); highest among the groups gnomAD compares: Non-Finnish European, 70%; 354,616 homozygotes.

Submissions (3):

GeneDx
Classification: Benign. Last evaluated: 2020-10-15. Review status: criteria provided, single submitter. Criteria: GeneDx Variant Classification Process June 2021. Collection method: clinical testing. Allele origin: germline. Affected: yes.

Breakthrough Genomics
Classification: Benign. Review status: criteria provided, single submitter. Criteria: ACMG Guidelines, 2015. Collection method: not provided. Allele origin: germline. Inheritance: Unknown mechanism. Affected: yes.

PreventionGenetics, part of Exact Sciences
Classification: Benign for ARHGAP32-related condition. Last evaluated: 2019-10-17. Review status: no assertion criteria provided. Collection method: clinical testing. Allele origin: germline. Not counted in ClinVar's aggregate classification.
Comment: This variant is classified as benign based on ACMG/AMP sequence variant interpretation guidelines (Richards et al. 2015 PMID: 25741868, with internal and published modifications).